The following is an entry in ClinVar:

ClinVar aggregate classification (germline): Uncertain significance (1 of 4 stars; one submission).

Conditions:
Niemann-Pick disease, type C1. Also called: NEUROVISCERAL STORAGE DISEASE WITH VERTICAL SUPRANUCLEAR OPHTHALMOPLEGIA; NIEMANN-PICK DISEASE WITH CHOLESTEROL ESTERIFICATION BLOCK; NIEMANN-PICK DISEASE WITHOUT SPHINGOMYELINASE DEFICIENCY; NIEMANN-PICK DISEASE, CHRONIC NEURONOPATHIC FORM; NIEMANN-PICK DISEASE, VARIANT TYPE C1. Identifiers: Orphanet 646, MedGen C3179455, MONDO:0009757, OMIM 257220.

Submission:

Labcorp Genetics (formerly Invitae), Labcorp
Classification: Uncertain significance for Niemann-Pick disease, type C1. Last evaluated: 2022-02-01. Review status: criteria provided, single submitter. Criteria: Invitae Variant Classification Sherloc (09022015). Collection method: clinical testing. Allele origin: germline.
Comment: This sequence change replaces tryptophan, which is neutral and slightly polar, with arginine, which is basic and polar, at codon 342 of the NPC1 protein (p.Trp342Arg). In summary, the available evidence is currently insufficient to determine the role of this variant in disease. Therefore, it has been classified as a Variant of Uncertain Significance. Advanced modeling of protein sequence and biophysical properties (such as structural, functional, and spatial information, amino acid conservation, physicochemical variation, residue mobility, and thermodynamic stability) performed at Invitae indicates that this missense variant is expected to disrupt NPC1 protein function. This variant has not been reported in the literature in individuals affected with NPC1-related conditions. This variant is not present in population databases (gnomAD no frequency).

NM_000271.5(NPC1):c.1024T>C (p.Trp342Arg)

Gene: NPC1 (NPC intracellular cholesterol transporter 1; minus strand). Cytogenetic location: 18q11.2.
Variant type: single nucleotide variant.
Coding change: c.1024T>C on transcript NM_000271.5 (MANE Select); coding-DNA position 1024, T replaced by C.
Protein change: p.Trp342Arg; replaces tryptophan 342 with arginine.
Molecular consequence: missense variant.
Genome position (GRCh38, 1-based): chr18:23,556,545, A>G on the plus strand (T>C on the coding strand, the complement: NPC1 is on the minus strand). VCF-style: chr18-23556545-A-G. GRCh37 (hg19) VCF-style: chr18-21136509-A-G.
Other names: short protein forms W342R.
Identifiers: ClinVar variation 1394939 (VCV001394939.6), dbSNP rs2145458077, ClinGen allele CA401778822.